The following is an entry in ClinVar:

ClinVar aggregate classification (germline): Uncertain significance. Review status: criteria provided, multiple submitters, no conflicts (2 of 4 stars). 2 submissions from 2 submitters: Uncertain significance (2). Last evaluated 2024-07-14.

Conditions:
Inborn genetic diseases. Identifiers: MedGen C0950123, MeSH D030342.
Combined immunodeficiency due to LRBA deficiency. Also called: Common variable immunodeficiency 8, with autoimmunity. Identifiers: Orphanet 445018, MedGen C3553512, MONDO:0013863, OMIM 614700.

gnomAD v4.1: 9 of 1,609,388 alleles (0.00056%); highest among the groups gnomAD compares: African/African-American, 0.0094%; no homozygotes.

Submissions (2):

Ambry Genetics
Classification: Uncertain significance for Inborn genetic diseases. Last evaluated: 2024-07-14. Review status: criteria provided, single submitter. Criteria: Ambry Variant Classification Scheme 2023. Collection method: clinical testing. Allele origin: germline.

Labcorp Genetics (formerly Invitae), Labcorp
Classification: Uncertain significance for Combined immunodeficiency due to LRBA deficiency. Last evaluated: 2022-02-10. Review status: criteria provided, single submitter. Criteria: Invitae Variant Classification Sherloc (09022015). Collection method: clinical testing. Allele origin: germline.
Comment: Algorithms developed to predict the effect of sequence changes on RNA splicing suggest that this variant may create or strengthen a splice site. This sequence change replaces arginine, which is basic and polar, with serine, which is neutral and polar, at codon 2145 of the LRBA protein (p.Arg2145Ser). This variant is not present in population databases (gnomAD no frequency). This variant has not been reported in the literature in individuals affected with LRBA-related conditions. Algorithms developed to predict the effect of missense changes on protein structure and function are either unavailable or do not agree on the potential impact of this missense change (SIFT: "Tolerated"; PolyPhen-2: "Probably Damaging"; Align-GVGD: "Class C0"). In summary, the available evidence is currently insufficient to determine the role of this variant in disease. Therefore, it has been classified as a Variant of Uncertain Significance.

NM_001364905.1(LRBA):c.6400C>A (p.Arg2134Ser)

Gene: LRBA (LPS responsive beige-like anchor protein; minus strand). Cytogenetic location: 4q31.3.
Variant type: single nucleotide variant.
Coding change: c.6400C>A on transcript NM_001364905.1 (MANE Select); coding-DNA position 6400, C replaced by A.
Protein change: p.Arg2134Ser; replaces arginine 2134 with serine.
Molecular consequence: missense variant.
Genome position (GRCh38, 1-based): chr4:150,490,966, G>T on the plus strand (C>A on the coding strand, the complement: LRBA is on the minus strand). VCF-style: chr4-150490966-G-T. GRCh37 (hg19) VCF-style: chr4-151412118-G-T.
Other names: c.6400C>A, p.Arg2134Ser (NM_001199282.3, NM_001367550.1); c.6433C>A, p.Arg2145Ser (NM_006726.5); short protein forms R2134S, R2145S.
Identifiers: ClinVar variation 1972788 (VCV001972788.6), dbSNP rs757445725, ClinGen allele CA358607439.
Genomic context (GRCh38, chr4:150,490,966, plus strand): 5'-GTAACACATTACCTCTGTTTGCCATAAAGATCTCCAGGGCTGTATTTTGCAAAAGATAAC[G>T]ACGAGAAAAGATTGATCGTATCTCTGTGAACAGCCATTTTCCATGCAGCCCTTCTGTATA-3'
Protein context (NP_001351834.1, residues 2124-2144): FTEIRSIFSR[Arg2134Ser]YLLQNTALEI